The following is an entry in ClinVar:

NM_001267550.2(TTN):c.51885G>T (p.Lys17295Asn)

Genes: TTN (titin; minus strand), TTN-AS1 (TTN antisense RNA 1; plus strand). Cytogenetic location: 2q31.2.
Variant type: single nucleotide variant.
Coding change: c.51885G>T on transcript NM_001267550.2 (MANE Select); coding-DNA position 51885, G replaced by T.
Protein change: p.Lys17295Asn; replaces lysine 17295 with asparagine.
Molecular consequence: missense variant.
Genome position (GRCh38, 1-based): chr2:178,609,425, C>A on the plus strand (G>T on the coding strand, the complement: TTN is on the minus strand). VCF-style: chr2-178609425-C-A. GRCh37 (hg19) VCF-style: chr2-179474152-C-A.
Other names: p.Lys14727Asn; c.46962G>T, p.Lys15654Asn (NM_001256850.1); c.24690G>T, p.Lys8230Asn (NM_003319.4); c.44181G>T, p.Lys14727Asn (NM_133378.4); c.25065G>T, p.Lys8355Asn (NM_133432.3); c.25266G>T, p.Lys8422Asn (NM_133437.4); c.51885G>T (NM_001267550.1); short protein forms K14727N, K17295N, K8355N, K8422N, K15654N, K8230N.
Identifiers: ClinVar variation 332845 (VCV000332845.11), dbSNP rs72632861, ClinGen allele CA10613287.

ClinVar aggregate classification (germline): Uncertain significance. Review status: criteria provided, multiple submitters, no conflicts (2 of 4 stars). 8 submissions from 4 submitters: Uncertain significance (8). Last evaluated 2022-01-31.

Conditions:
Myopathy, myofibrillar, 9, with early respiratory failure (MFM9). Also called: Myopathy, distal, with early respiratory failure, autosomal dominant; Hereditary myopathy with early respiratory failure; EDSTROM MYOPATHY; MYOPATHY, PROXIMAL, WITH EARLY RESPIRATORY MUSCLE INVOLVEMENT. Identifiers: Orphanet 178464, Orphanet 34521, MedGen C1863599, MONDO:0011362, OMIM 603689.
Autosomal recessive limb-girdle muscular dystrophy type 2J (LGMDR10). Also called: MUSCULAR DYSTROPHY, LIMB-GIRDLE, AUTOSOMAL RECESSIVE 10; Limb-girdle muscular dystrophy, type 2J. Identifiers: Orphanet 140922, MedGen C1837342, MONDO:0012127, OMIM 608807.
Dilated cardiomyopathy 1G (CMD1G). Identifiers: Orphanet 154, MedGen C1858763, MONDO:0011400, OMIM 604145.
Early-onset myopathy with fatal cardiomyopathy (CMYO5). Also called: CONGENITAL MYOPATHY 5 WITH CARDIOMYOPATHY; Salih Myopathy. Identifiers: Orphanet 289377, MedGen C2673677, MONDO:0012714, OMIM 611705. Disease mechanism: loss of function.
Tibial muscular dystrophy (TMD). Also called: Udd Distal Myopathy – Tibial Muscular Dystrophy; UDD MYOPATHY; Tibial muscular dystrophy, tardive. Identifiers: Orphanet 609, MedGen C1838244, MONDO:0010870, OMIM 600334.

Allele frequency attached by ClinVar (database versions not stated): gnomAD exomes below 0.00001 and 0.00001.
gnomAD v4.1: 12 of 1,612,286 alleles (0.00074%); highest among the groups gnomAD compares: Middle Eastern, 0.099%; no homozygotes.

Submissions (8):

GeneDx
Classification: Uncertain significance. Last evaluated: 2022-01-31. Review status: criteria provided, single submitter. Criteria: GeneDx Variant Classification Process June 2021. Collection method: clinical testing. Allele origin: germline. Affected: yes.
Comment: Not observed at significant frequency in large population cohorts (gnomAD); Missense variant in a gene in which most reported pathogenic variants are truncating/loss-of-function; Has not been previously published as pathogenic or benign to our knowledge; This variant is associated with the following publications: (PMID: 23975875)

Mayo Clinic Laboratories, Mayo Clinic
Classification: Uncertain significance. Last evaluated: 2021-11-12. Review status: criteria provided, single submitter. Criteria: ACMG Guidelines, 2015. Collection method: clinical testing. Allele origin: germline.

Baylor Genetics
Classification: Uncertain significance for Autosomal recessive limb-girdle muscular dystrophy type 2J. Last evaluated: 2020-05-05. Review status: criteria provided, single submitter. Criteria: ACMG Guidelines, 2015. Collection method: clinical testing. Allele origin: unknown. Affected: yes.
Comment: This variant was determined to be of uncertain significance according to ACMG Guidelines, 2015 [PMID:25741868].

Illumina Laboratory Services, Illumina
Classification: Uncertain significance for Dilated cardiomyopathy 1G. Last evaluated: 2018-01-12. Review status: criteria provided, single submitter. Criteria: ICSL Variant Classification Criteria 13 December 2019. Collection method: clinical testing. Allele origin: germline.

Illumina Laboratory Services, Illumina
Classification: Uncertain significance for Tibial muscular dystrophy. Last evaluated: 2018-01-12. Review status: criteria provided, single submitter. Criteria: ICSL Variant Classification Criteria 13 December 2019. Collection method: clinical testing. Allele origin: germline.

Illumina Laboratory Services, Illumina
Classification: Uncertain significance for Myopathy, myofibrillar, 9, with early respiratory failure. Last evaluated: 2018-01-12. Review status: criteria provided, single submitter. Criteria: ICSL Variant Classification Criteria 13 December 2019. Collection method: clinical testing. Allele origin: germline.

Illumina Laboratory Services, Illumina
Classification: Uncertain significance for Autosomal recessive limb-girdle muscular dystrophy type 2J. Last evaluated: 2018-01-12. Review status: criteria provided, single submitter. Criteria: ICSL Variant Classification Criteria 13 December 2019. Collection method: clinical testing. Allele origin: germline.

Illumina Laboratory Services, Illumina
Classification: Uncertain significance for Early-onset myopathy with fatal cardiomyopathy. Last evaluated: 2018-01-12. Review status: criteria provided, single submitter. Criteria: ICSL Variant Classification Criteria 13 December 2019. Collection method: clinical testing. Allele origin: germline.